The following is an entry in ClinVar:

ClinVar aggregate classification (germline): Likely benign. Review status: criteria provided, single submitter (1 of 4 stars). 2 submissions from 2 submitters: Likely benign (1). 1 of the submissions does not count toward it. Last evaluated 2025-12-22.

Conditions:
Spermatogenic failure 18. Identifiers: MedGen C4539783, MONDO:0054615, OMIM 617576.
Ciliary dyskinesia, primary, 37 (CILD37). Also called: CILIARY DYSKINESIA, PRIMARY, 37, WITH OR WITHOUT SITUS INVERSUS. Identifiers: MedGen C4539798, MONDO:0033204, OMIM 617577.
DNAH1-related disorder. Also called: DNAH1-related condition.

Allele frequency attached by ClinVar (database versions not stated): gnomAD 0.00092 and 0.00083; gnomAD exomes 0.00019 and 0.00008; ESP Exome Variant Server 0.00093; ExAC 0.00019; TOPMed 0.00104.
gnomAD v4.1: 246 of 1,614,066 alleles (0.015%); highest among the groups gnomAD compares: African/African-American, 0.29%; no homozygotes.

Submissions (2):

Labcorp Genetics (formerly Invitae), Labcorp
Classification: Likely benign for Ciliary dyskinesia, primary, 37; Spermatogenic failure 18. Last evaluated: 2025-12-22. Review status: criteria provided, single submitter. Criteria: Invitae Variant Classification Sherloc (09022015). Collection method: clinical testing. Allele origin: germline.

PreventionGenetics, part of Exact Sciences
Classification: Likely benign for DNAH1-related condition. Last evaluated: 2022-05-08. Review status: no assertion criteria provided. Collection method: clinical testing. Allele origin: germline. Not counted in ClinVar's aggregate classification.
Comment: This variant is classified as likely benign based on ACMG/AMP sequence variant interpretation guidelines (Richards et al. 2015 PMID: 25741868, with internal and published modifications).

NM_015512.5(DNAH1):c.1160C>A (p.Ala387Glu)

Gene: DNAH1 (dynein axonemal heavy chain 1; plus strand). Cytogenetic location: 3p21.1.
Variant type: single nucleotide variant.
Coding change: c.1160C>A on transcript NM_015512.5 (MANE Select); coding-DNA position 1160, C replaced by A.
Protein change: p.Ala387Glu; replaces alanine 387 with glutamic acid.
Molecular consequence: missense variant.
Genome position (GRCh38, 1-based): chr3:52,332,268, C>A. VCF-style: chr3-52332268-C-A. GRCh37 (hg19) VCF-style: chr3-52366284-C-A.
Other names: short protein forms A387E.
Identifiers: ClinVar variation 798212 (VCV000798212.11), dbSNP rs200834858, ClinGen allele CA2432892.